The following is an entry in ClinVar:

NM_006744.4(RBP4):c.481G>T (p.Gly161Cys)

Gene: RBP4 (retinol binding protein 4; minus strand). Cytogenetic location: 10q23.33.
Variant type: single nucleotide variant.
Coding change: c.481G>T on transcript NM_006744.4 (MANE Select); coding-DNA position 481, G replaced by T.
Protein change: p.Gly161Cys; replaces glycine 161 with cysteine.
Molecular consequence: missense variant.
Genome position (GRCh38, 1-based): chr10:93,593,910, C>A on the plus strand (G>T on the coding strand, the complement: RBP4 is on the minus strand). VCF-style: chr10-93593910-C-A. GRCh37 (hg19) VCF-style: chr10-95353667-C-A.
Other names: c.481G>T, p.Gly161Cys (NM_001323517.1); c.475G>T, p.Gly159Cys (NM_001323518.2); c.481G>T (NM_006744.3); short protein forms G159C, G161C.
Identifiers: ClinVar variation 1375546 (VCV001375546.10), dbSNP rs372010388, ClinGen allele CA5609541.

ClinVar aggregate classification (germline): Uncertain significance. Review status: criteria provided, multiple submitters, no conflicts (2 of 4 stars). 3 submissions from 3 submitters: Uncertain significance (3). Last evaluated 2025-09-24.

Conditions:
Inborn genetic diseases. Identifiers: MedGen C0950123, MeSH D030342.

Allele frequency attached by ClinVar (database versions not stated): gnomAD 0.00001; ESP Exome Variant Server 0.00008.

Submissions (3):

Labcorp Genetics (formerly Invitae), Labcorp
Classification: Uncertain significance. Last evaluated: 2025-09-24. Review status: criteria provided, single submitter. Criteria: Invitae Variant Classification Sherloc (09022015). Collection method: clinical testing. Allele origin: germline.
Comment: This sequence change replaces glycine, which is neutral and non-polar, with cysteine, which is neutral and slightly polar, at codon 161 of the RBP4 protein (p.Gly161Cys). This variant is present in population databases (rs372010388, gnomAD 0.004%). This variant has not been reported in the literature in individuals affected with RBP4-related conditions. ClinVar contains an entry for this variant (Variation ID: 1375546). An algorithm developed to predict the effect of missense changes on protein structure and function (PolyPhen-2) suggests that this variant is likely to be disruptive. In summary, the available evidence is currently insufficient to determine the role of this variant in disease. Therefore, it has been classified as a Variant of Uncertain Significance.

Blueprint Genetics
Classification: Uncertain significance. Last evaluated: 2024-09-10. Review status: criteria provided, single submitter. Criteria: ACMG Guidelines, 2015. Collection method: clinical testing. Allele origin: germline.

Ambry Genetics
Classification: Uncertain significance for Inborn genetic diseases. Last evaluated: 2021-09-16. Review status: criteria provided, single submitter. Criteria: Ambry Variant Classification Scheme 2023. Collection method: clinical testing. Allele origin: germline.